The following is an entry in ClinVar:

NM_002691.4(POLD1):c.497G>A (p.Arg166Gln)

Gene: POLD1 (DNA polymerase delta 1, catalytic subunit; plus strand). Cytogenetic location: 19q13.33.
Variant type: single nucleotide variant.
Coding change: c.497G>A on transcript NM_002691.4 (MANE Select); coding-DNA position 497, G replaced by A.
Protein change: p.Arg166Gln; replaces arginine 166 with glutamine.
Molecular consequence: missense variant. On other transcripts: non-coding transcript variant (1).
Genome position (GRCh38, 1-based): chr19:50,402,032, G>A. VCF-style: chr19-50402032-G-A. GRCh37 (hg19) VCF-style: chr19-50905289-G-A.
Other names: c.497G>A, p.Arg166Gln (NM_001256849.1, NM_001308632.1); c.497G>A (NM_002691.2); short protein forms R166Q.
Identifiers: ClinVar variation 239350 (VCV000239350.22), dbSNP rs750144413, ClinGen allele CA9595764.

ClinVar aggregate classification (germline): Conflicting classifications of pathogenicity. Review status: criteria provided, conflicting classifications (1 of 4 stars). 5 submissions from 5 submitters: Uncertain significance (4); Likely benign (1). Last evaluated 2025-09-14.
ClinVar aggregate classification (oncogenicity): Uncertain significance (1 of 4 stars; one submission).

Conditions:
Immunodeficiency 120. Identifiers: MedGen C5935622, MONDO:0970994, OMIM 620836.
POLD1-related polyposis and colorectal cancer syndrome (CRCS10). Also called: COLORECTAL CANCER, SUSCEPTIBILITY TO, ON CHROMOSOME 19q; Colorectal cancer 10; Colorectal cancer, susceptibility to, 10. Identifiers: Orphanet 220460, MedGen C2675481, MONDO:0012953, OMIM 612591.
Mandibular hypoplasia-deafness-progeroid syndrome. Also called: Mandibular hypoplasia, deafness, progeroid features, and lipodystrophy syndrome. Identifiers: Orphanet 363649, MedGen C3715192, MONDO:0014157, OMIM 615381.
Hereditary cancer-predisposing syndrome. Also called: Hereditary Cancer Syndrome; Neoplastic Syndromes, Hereditary; Hereditary neoplastic syndrome; Tumor predisposition. Identifiers: Orphanet 140162, MedGen C0027672, MeSH D009386, MONDO:0015356.
Neoplasm. Also called: tumor; Neoplasms; Neoplasm (disease). Identifiers: MedGen C0027651, MeSH D009369, MONDO:0005070, HP:0002664.

Allele frequency attached by ClinVar (database versions not stated): gnomAD 0.00001; gnomAD exomes 0.00002 and 0.00001; TOPMed 0.00003; ExAC 0.00002.
gnomAD v4.1: 15 of 1,613,954 alleles (0.00093%); highest among the groups gnomAD compares: Admixed American, 0.0017%; no homozygotes.

Submissions (6):

Labcorp Genetics (formerly Invitae), Labcorp
Classification: Uncertain significance for POLD1-related polyposis and colorectal cancer syndrome. Last evaluated: 2025-09-14. Review status: criteria provided, single submitter. Criteria: Invitae Variant Classification Sherloc (09022015). Collection method: clinical testing. Allele origin: germline.
Comment: This sequence change replaces arginine, which is basic and polar, with glutamine, which is neutral and polar, at codon 166 of the POLD1 protein (p.Arg166Gln). This variant is present in population databases (rs750144413, gnomAD 0.003%). This variant has not been reported in the literature in individuals affected with POLD1-related conditions. ClinVar contains an entry for this variant (Variation ID: 239350). Invitae Evidence Modeling of protein sequence and biophysical properties (such as structural, functional, and spatial information, amino acid conservation, physicochemical variation, residue mobility, and thermodynamic stability) indicates that this missense variant is not expected to disrupt POLD1 protein function with a negative predictive value of 80%. RNA analysis performed to evaluate the impact of this missense change on mRNA splicing indicates it does not significantly alter splicing (internal data). In summary, the available evidence is currently insufficient to determine the role of this variant in disease. Therefore, it has been classified as a Variant of Uncertain Significance.

Center for Genomic Medicine, Rigshospitalet, Copenhagen University Hospital
Classification: Uncertain significance for Neoplasm. Last evaluated: 2025-03-04. Review status: criteria provided, single submitter. Criteria: ClinGen/CGC/VICC Guidelines for Oncogenicity, 2022. Collection method: clinical testing. Allele origin: somatic. Affected: yes.

Ambry Genetics
Classification: Uncertain significance for Hereditary cancer-predisposing syndrome. Last evaluated: 2024-12-25. Review status: criteria provided, single submitter. Criteria: Ambry Variant Classification Scheme 2023. Collection method: clinical testing. Allele origin: germline.
Comment: The p.R166Q variant (also known as c.497G>A), located in coding exon 4 of the POLD1 gene, results from a G to A substitution at nucleotide position 497. The arginine at codon 166 is replaced by glutamine, an amino acid with highly similar properties. This amino acid position is conserved. In addition, this alteration is predicted to be tolerated by in silico analysis. Based on the available evidence, the clinical significance of this variant remains unclear.

GeneDx
Classification: Uncertain significance. Last evaluated: 2024-09-03. Review status: criteria provided, single submitter. Criteria: GeneDx Variant Classification Process June 2021. Collection method: clinical testing. Allele origin: germline. Affected: yes.
Comment: Not observed at significant frequency in large population cohorts (gnomAD); In silico analysis indicates that this missense variant does not alter protein structure/function; Has not been previously published as pathogenic or benign to our knowledge; This variant is associated with the following publications: (PMID: 21822268, 31034466, 29056344)

Fulgent Genetics
Classification: Uncertain significance for POLD1-related polyposis and colorectal cancer syndrome; Mandibular hypoplasia-deafness-progeroid syndrome; Immunodeficiency 120. Last evaluated: 2024-04-29. Review status: criteria provided, single submitter. Criteria: ACMG Guidelines, 2015. Collection method: clinical testing. Allele origin: germline.

Centre for Mendelian Genomics, University Medical Centre Ljubljana
Classification: Likely benign for Mandibular hypoplasia-deafness-progeroid syndrome. Last evaluated: 2020-04-02. Review status: criteria provided, single submitter. Criteria: ACMG Guidelines, 2015. Collection method: clinical testing. Allele origin: unknown. Affected: yes.
Comment: This variant was classified as: Likely benign. The following ACMG criteria were applied in classifying this variant: BP4,BS2.